The following is an entry in ClinVar:

NM_000276.4(OCRL):c.1978C>T (p.His660Tyr)

Gene: OCRL (OCRL inositol polyphosphate-5-phosphatase; plus strand). Cytogenetic location: Xq26.1.
Variant type: single nucleotide variant.
Coding change: c.1978C>T on transcript NM_000276.4 (MANE Select); coding-DNA position 1978, C replaced by T.
Protein change: p.His660Tyr; replaces histidine 660 with tyrosine.
Molecular consequence: missense variant.
Genome position (GRCh38, 1-based): chrX:129,576,415, C>T. VCF-style: chrX-129576415-C-T. GRCh37 (hg19) VCF-style: chrX-128710392-C-T.
Other names: c.1981C>T, p.His661Tyr (NM_001318784.2); c.1978C>T, p.His660Tyr (NM_001587.4); short protein forms H660Y, H661Y.
Identifiers: ClinVar variation 5039715 (VCV005039715.1).
Genomic context (GRCh38, chrX:129,576,415, plus strand): 5'-AAAGACTCTGTAACCATCCTGAACTCGGGAGAAGATAAGATTGAAGATATTCTCGTCCTT[C>T]ACCTGGATCGAGGCAAAGATTACTTCTTGACTATCAGTGGAAATTACCTCCCAAGTTGTT-3'
Protein context (NP_000267.2, residues 650-670): EDKIEDILVL[His660Tyr]LDRGKDYFLT

ClinVar aggregate classification (germline): Uncertain significance (1 of 4 stars; one submission).

Submission:

CeGaT Center for Human Genetics Tuebingen
Classification: Uncertain significance. Last evaluated: 2026-07-01. Review status: criteria provided, single submitter. Criteria: CeGaT Center For Human Genetics Tuebingen Variant Classification Criteria Version 2. Collection method: clinical testing. Allele origin: germline. Affected: yes. Observed: 1 variant allele.
Comment: OCRL: PM2, PM5, PS4:Supporting